The following is an entry in ClinVar:

ClinVar aggregate classification (germline): Likely benign. Review status: criteria provided, multiple submitters, no conflicts (2 of 4 stars). 2 submissions from 2 submitters: Likely benign (2). Last evaluated 2026-06-10.

Conditions:
NOTCH2-related disorder. Also called: NOTCH2-related condition.
Hajdu-Cheney syndrome (HJCYS). Also called: ACROOSTEOLYSIS WITH OSTEOPOROSIS AND CHANGES IN SKULL AND MANDIBLE; SERPENTINE FIBULA-POLYCYSTIC KIDNEY SYNDROME; Acroosteolysis dominant type. Identifiers: Orphanet 955, MedGen C0917715, MONDO:0007057, OMIM 102500.

Allele frequency attached by ClinVar (database versions not stated): gnomAD 0.00001; TOPMed 0.00001.

Submissions (2):

PreventionGenetics, part of Exact Sciences
Classification: Likely benign for NOTCH2-related condition. Last evaluated: 2026-06-10. Review status: criteria provided, single submitter. Criteria: ACMG Guidelines, 2015. Collection method: clinical testing. Allele origin: germline.
Comment: This variant is classified as likely benign based on ACMG/AMP sequence variant interpretation guidelines (Richards et al. 2015 PMID: 25741868, with internal and published modifications).

Labcorp Genetics (formerly Invitae), Labcorp
Classification: Likely benign for Hajdu-Cheney syndrome. Last evaluated: 2024-10-22. Review status: criteria provided, single submitter. Criteria: Invitae Variant Classification Sherloc (09022015). Collection method: clinical testing. Allele origin: germline.

NM_024408.4(NOTCH2):c.4515T>C (p.Tyr1505=)

Gene: NOTCH2 (notch receptor 2; minus strand). Cytogenetic location: 1p12.
Variant type: single nucleotide variant.
Coding change: c.4515T>C on transcript NM_024408.4 (MANE Select); coding-DNA position 4515, T replaced by C.
Protein change: p.Tyr1505=; no amino-acid change (tyrosine 1505 retained).
Molecular consequence: synonymous variant.
Genome position (GRCh38, 1-based): chr1:119,923,981, A>G on the plus strand (T>C on the coding strand, the complement: NOTCH2 is on the minus strand). VCF-style: chr1-119923981-A-G. GRCh37 (hg19) VCF-style: chr1-120466604-A-G.
Other names: c.4515T>C (NM_024408.3).
Identifiers: ClinVar variation 3013508 (VCV003013508.4), dbSNP rs1482429953, ClinGen allele CA420190536.